The following is an entry in ClinVar:

NM_004341.5(CAD):c.1254+6G>A

Gene: CAD (carbamoyl-phosphate synthetase 2, aspartate transcarbamylase, and dihydroorotase; plus strand). Cytogenetic location: 2p23.3.
Variant type: single nucleotide variant.
Coding change: c.1254+6G>A on transcript NM_004341.5 (MANE Select); 6 bases into the intron after coding-DNA position 1254, G replaced by A.
Molecular consequence: intron variant.
Genome position (GRCh38, 1-based): chr2:27,224,496, G>A. VCF-style: chr2-27224496-G-A. GRCh37 (hg19) VCF-style: chr2-27447364-G-A.
Other names: c.1254+6G>A (NM_001306079.2).
Identifiers: ClinVar variation 1964956 (VCV001964956.5), dbSNP rs756313548, ClinGen allele CA1572648.

ClinVar aggregate classification (germline): Uncertain significance. Review status: criteria provided, multiple submitters, no conflicts (2 of 4 stars). 2 submissions from 2 submitters: Uncertain significance (2). Last evaluated 2024-11-04.

Allele frequency attached by ClinVar (database versions not stated): gnomAD exomes 0.00001; ExAC 0.00002.
gnomAD v4.1: 10 of 1,613,452 alleles (0.00062%); highest among the groups gnomAD compares: Admixed American, 0.012%; no homozygotes.

Submissions (2):

Women's Health and Genetics/Laboratory Corporation of America, LabCorp
Classification: Uncertain significance. Last evaluated: 2024-11-04. Review status: criteria provided, single submitter. Criteria: LabCorp Variant Classification Summary - May 2015. Collection method: clinical testing. Allele origin: germline.

Labcorp Genetics (formerly Invitae), Labcorp
Classification: Uncertain significance. Last evaluated: 2024-08-12. Review status: criteria provided, single submitter. Criteria: Invitae Variant Classification Sherloc (09022015). Collection method: clinical testing. Allele origin: germline.
Comment: This sequence change falls in intron 9 of the CAD gene. It does not directly change the encoded amino acid sequence of the CAD protein. It affects a nucleotide within the consensus splice site. This variant is present in population databases (rs756313548, gnomAD 0.02%). This variant has not been reported in the literature in individuals affected with CAD-related conditions. ClinVar contains an entry for this variant (Variation ID: 1964956). Variants that disrupt the consensus splice site are a relatively common cause of aberrant splicing (PMID: 17576681, 9536098). Algorithms developed to predict the effect of sequence changes on RNA splicing suggest that this variant is not likely to affect RNA splicing. In summary, the available evidence is currently insufficient to determine the role of this variant in disease. Therefore, it has been classified as a Variant of Uncertain Significance.

Literature cited by the submitters: PubMed 17576681 (cited by Labcorp Genetics (formerly Invitae), Labcorp); PubMed 9536098 (cited by Labcorp Genetics (formerly Invitae), Labcorp).